The following is an entry in ClinVar:

ClinVar aggregate classification (germline): Uncertain significance (1 of 4 stars; one submission).

Conditions:
NIK deficiency. Also called: Primary immunodeficiency with multifaceted aberrant lymphoid immunity. Identifiers: Orphanet 447731, MedGen C5680065, MONDO:0018642.

Submission:

Labcorp Genetics (formerly Invitae), Labcorp
Classification: Uncertain significance for NIK deficiency. Last evaluated: 2022-09-01. Review status: criteria provided, single submitter. Criteria: Invitae Variant Classification Sherloc (09022015). Collection method: clinical testing. Allele origin: germline.
Comment: ClinVar contains an entry for this variant (Variation ID: 1045862). This sequence change replaces proline, which is neutral and non-polar, with alanine, which is neutral and non-polar, at codon 312 of the MAP3K14 protein (p.Pro312Ala). This variant is not present in population databases (gnomAD no frequency). This variant has not been reported in the literature in individuals affected with MAP3K14-related conditions. Experimental studies and prediction algorithms are not available or were not evaluated, and the functional significance of this variant is currently unknown. In summary, the available evidence is currently insufficient to determine the role of this variant in disease. Therefore, it has been classified as a Variant of Uncertain Significance.

NM_003954.5(MAP3K14):c.934C>G (p.Pro312Ala)

Gene: MAP3K14 (mitogen-activated protein kinase kinase kinase 14; minus strand). Cytogenetic location: 17q21.31.
Variant type: single nucleotide variant.
Coding change: c.934C>G on transcript NM_003954.5 (MANE Select); coding-DNA position 934, C replaced by G.
Protein change: p.Pro312Ala; replaces proline 312 with alanine.
Molecular consequence: missense variant.
Genome position (GRCh38, 1-based): chr17:45,286,649, G>C on the plus strand (C>G on the coding strand, the complement: MAP3K14 is on the minus strand). VCF-style: chr17-45286649-G-C. GRCh37 (hg19) VCF-style: chr17-43364016-G-C.
Other names: short protein forms P312A.
Identifiers: ClinVar variation 1045862 (VCV001045862.9), dbSNP rs201022790, ClinGen allele CA399888061.